The following is an entry in ClinVar:

NM_001042424.3(NSD2):c.38A>G (p.Gln13Arg)

Gene: NSD2 (nuclear receptor binding SET domain protein 2; plus strand). Cytogenetic location: 4p16.3.
Variant type: single nucleotide variant.
Coding change: c.38A>G on transcript NM_001042424.3 (MANE Select); coding-DNA position 38, A replaced by G.
Protein change: p.Gln13Arg; replaces glutamine 13 with arginine.
Molecular consequence: missense variant.
Genome position (GRCh38, 1-based): chr4:1,900,692, A>G. VCF-style: chr4-1900692-A-G. GRCh37 (hg19) VCF-style: chr4-1902419-A-G.
Other names: c.38A>G, p.Gln13Arg (NM_007331.2, NM_133330.3, NM_133331.3 and 2 more transcripts); short protein forms Q13R.
Identifiers: ClinVar variation 3367760 (VCV003367760.1).

ClinVar aggregate classification (germline): Uncertain significance (1 of 4 stars; one submission).

gnomAD v4.1: 3 of 1,609,094 alleles (0.00019%); highest among the groups gnomAD compares: Non-Finnish European, 0.00025%; no homozygotes.

Submission:

GeneDx
Classification: Uncertain significance. Last evaluated: 2024-01-10. Review status: criteria provided, single submitter. Criteria: GeneDx Variant Classification Process June 2021. Collection method: clinical testing. Allele origin: germline. Affected: yes.
Comment: Not observed at significant frequency in large population cohorts (gnomAD); In silico analysis supports that this missense variant has a deleterious effect on protein structure/function; Has not been previously published as pathogenic or benign to our knowledge